The following is an entry in ClinVar:

ClinVar aggregate classification (germline): Likely benign (1 of 4 stars; one submission).

Submission:

CeGaT Center for Human Genetics Tuebingen
Classification: Likely benign. Last evaluated: 2026-02-01. Review status: criteria provided, single submitter. Criteria: CeGaT Center For Human Genetics Tuebingen Variant Classification Criteria Version 2. Collection method: clinical testing. Allele origin: germline. Affected: yes. Observed: 1 variant allele.
Comment: TIMM22: BP4, BP7

NM_013337.4(TIMM22):c.564G>A (p.Ala188=)

Gene: TIMM22 (translocase of inner mitochondrial membrane 22; plus strand). Cytogenetic location: 17p13.3.
Variant type: single nucleotide variant.
Coding change: c.564G>A on transcript NM_013337.4 (MANE Select); coding-DNA position 564, G replaced by A.
Protein change: p.Ala188=; no amino-acid change (alanine 188 retained).
Molecular consequence: synonymous variant.
Genome position (GRCh38, 1-based): chr17:1,001,067, G>A. VCF-style: chr17-1001067-G-A. GRCh37 (hg19) VCF-style: chr17-904307-G-A.
Identifiers: ClinVar variation 4822125 (VCV004822125.4).
Genomic context (GRCh38, chr17:1,001,067, plus strand): 5'-GACAGCTGGCTTAAAGGCTGGGGCCATTGGTTGTGGAGGTTTTGCTGCTTTCTCTGCTGC[G>A]ATTGATTATTACCTCCGGTGAGAGTAATTGCCTGCAGGGAAGGATGATGCCAGCCCCGGA-3'
Protein context (NP_037469.2, residues 178-194): GCGGFAAFSA[Ala188=]IDYYLR